The following is an entry in ClinVar:

ClinVar aggregate classification (germline): Uncertain significance. Review status: criteria provided, multiple submitters, no conflicts (2 of 4 stars). 2 submissions from 2 submitters: Uncertain significance (2). Last evaluated 2025-02-26.

Submissions (2):

Labcorp Genetics (formerly Invitae), Labcorp
Classification: Uncertain significance. Last evaluated: 2025-02-26. Review status: criteria provided, single submitter. Criteria: Invitae Variant Classification Sherloc (09022015). Collection method: clinical testing. Allele origin: germline.
Comment: This sequence change replaces proline, which is neutral and non-polar, with alanine, which is neutral and non-polar, at codon 369 of the SLC1A2 protein (p.Pro369Ala). This variant is not present in population databases (gnomAD no frequency). This variant has not been reported in the literature in individuals affected with SLC1A2-related conditions. ClinVar contains an entry for this variant (Variation ID: 1690945). Invitae Evidence Modeling of protein sequence and biophysical properties (such as structural, functional, and spatial information, amino acid conservation, physicochemical variation, residue mobility, and thermodynamic stability) indicates that this missense variant is expected to disrupt SLC1A2 protein function with a positive predictive value of 80%. In summary, the available evidence is currently insufficient to determine the role of this variant in disease. Therefore, it has been classified as a Variant of Uncertain Significance.

Laboratorio de Genetica e Diagnostico Molecular, Hospital Israelita Albert Einstein
Classification: Uncertain significance. Last evaluated: 2020-10-13. Review status: criteria provided, single submitter. Criteria: ACMG Guidelines, 2015. Collection method: clinical testing. Allele origin: germline. Affected: yes.
Comment: ACMG classification criteria: PM2, PP3

NM_004171.4(SLC1A2):c.1105C>G (p.Pro369Ala)

Gene: SLC1A2 (solute carrier family 1 member 2; minus strand). Cytogenetic location: 11p13.
Variant type: single nucleotide variant.
Coding change: c.1105C>G on transcript NM_004171.4 (MANE Select); coding-DNA position 1105, C replaced by G.
Protein change: p.Pro369Ala; replaces proline 369 with alanine.
Molecular consequence: missense variant.
Genome position (GRCh38, 1-based): chr11:35,286,938, G>C on the plus strand (C>G on the coding strand, the complement: SLC1A2 is on the minus strand). VCF-style: chr11-35286938-G-C. GRCh37 (hg19) VCF-style: chr11-35308485-G-C.
Other names: c.1078C>G, p.Pro360Ala (NM_001195728.3, NM_001252652.2); short protein forms P360A, P369A.
Identifiers: ClinVar variation 1690945 (VCV001690945.7), dbSNP rs2134719101, ClinGen allele CA380123259.